The following is an entry in ClinVar:

ClinVar aggregate classification (germline): Pathogenic (1 of 4 stars; one submission).

Conditions:
3-methylcrotonyl-CoA carboxylase 1 deficiency (MCC1D). Also called: MCCD TYPE 1; METHYLCROTONYLGLYCINURIA TYPE I; MCC 1 deficiency; 3 Alpha methylcrotonylglycinuria 1. Identifiers: Orphanet 6, MedGen CN028786, MONDO:0008861, OMIM 210200.

Submission:

Labcorp Genetics (formerly Invitae), Labcorp
Classification: Pathogenic for 3-methylcrotonyl-CoA carboxylase 1 deficiency. Last evaluated: 2018-05-23. Review status: criteria provided, single submitter. Criteria: Invitae Variant Classification Sherloc (09022015). Collection method: clinical testing. Allele origin: germline.
Comment: This variant has not been reported in the literature in individuals with MCCC1-related disease. Loss-of-function variants in MCCC1 are known to be pathogenic (PMID: 11181649, 15359379, 22642865). For these reasons, this variant has been classified as Pathogenic. This variant is not present in population databases (ExAC no frequency). This sequence change creates a premature translational stop signal (p.Glu247_Phe249delinsIleAla*) in the MCCC1 gene. It is expected to result in an absent or disrupted protein product.

Literature cited by the submitters: PubMed 11181649; PubMed 15359379; PubMed 22642865.

NM_020166.5(MCCC1):c.739_742delinsATAGCATAGC (p.Glu247_Lys248delinsIleAlaTer)

Gene: MCCC1 (methylcrotonyl-CoA carboxylase subunit 1; minus strand). Cytogenetic location: 3q27.1.
Variant type: Indel.
Coding change: c.739_742delinsATAGCATAGC on transcript NM_020166.5 (MANE Select); coding-DNA positions 739 to 742, GAGA replaced by ATAGCATAGC.
Protein change: p.Glu247_Lys248delinsIleAlaTer.
Molecular consequence: nonsense. On other transcripts: non-coding transcript variant (2).
Genome position (GRCh38, 1-based): chr3:183,071,018-183,071,021, TCTC replaced by GCTATGCTAT on the plus strand (GAGA replaced by ATAGCATAGC on the coding strand, the reverse complement: MCCC1 is on the minus strand). VCF-style: chr3-183071018-TCTC-GCTATGCTAT. GRCh37 (hg19) VCF-style: chr3-182788806-TCTC-GCTATGCTAT.
Other names: c.412_415delinsATAGCATAGC, p.Glu138_Lys139delinsIleAlaTer (NM_001363880.1); c.388_391delinsATAGCATAGC, p.Glu130_Lys131delinsIleAlaTer (NM_001293273.2).
Identifiers: ClinVar variation 580668 (VCV000580668.5), dbSNP rs1560256569, ClinGen allele CA891842701.